The following is an entry in ClinVar:

NM_024649.5(BBS1):c.24T>C (p.Asp8=)

Gene: BBS1 (Bardet-Biedl syndrome 1; plus strand). Cytogenetic location: 11q13.2.
Variant type: single nucleotide variant.
Coding change: c.24T>C on transcript NM_024649.5 (MANE Select); coding-DNA position 24, T replaced by C.
Protein change: p.Asp8=; no amino-acid change (aspartic acid 8 retained).
Molecular consequence: synonymous variant.
Genome position (GRCh38, 1-based): chr11:66,510,683, T>C. VCF-style: chr11-66510683-T-C. GRCh37 (hg19) VCF-style: chr11-66278154-T-C.
Other names: p.Asp8=.
Identifiers: ClinVar variation 193457 (VCV000193457.57), dbSNP rs55848325, ClinGen allele CA200595.

ClinVar aggregate classification (germline): Conflicting classifications of pathogenicity. Review status: criteria provided, conflicting classifications (1 of 4 stars). 14 submissions from 14 submitters: Uncertain significance (1); Benign (5); Likely benign (4). 4 of the submissions do not count toward it. Last evaluated 2026-08-01.

Conditions:
BBS1-related disorder. Also called: BBS1-related condition.
Bardet-Biedl syndrome (BBS). Identifiers: Orphanet 110, MedGen C0752166, MONDO:0015229.
Bardet-Biedl syndrome 1 (BBS1). Identifiers: MedGen C2936862, MONDO:0008854, OMIM 209900. Disease mechanism: loss of function.

Allele frequency attached by ClinVar (database versions not stated): gnomAD 0.00267 and 0.00286; TOPMed 0.00281; gnomAD exomes 0.00399 and 0.00402; ESP Exome Variant Server 0.00400; ExAC 0.00435; 1000 Genomes Project 0.00439; 1000 Genomes Project 30x 0.00531.

Submissions (14):

CeGaT Center for Human Genetics Tuebingen
Classification: Likely benign. Last evaluated: 2026-08-01. Review status: criteria provided, single submitter. Criteria: CeGaT Center For Human Genetics Tuebingen Variant Classification Criteria Version 2. Collection method: clinical testing. Allele origin: germline. Affected: yes. Observed: 11 variant alleles.
Comment: BBS1: BP4, BP7, BS2

Labcorp Genetics (formerly Invitae), Labcorp
Classification: Benign for Bardet-Biedl syndrome. Last evaluated: 2026-02-01. Review status: criteria provided, single submitter. Criteria: Invitae Variant Classification Sherloc (09022015). Collection method: clinical testing. Allele origin: germline.

Mayo Clinic Laboratories, Mayo Clinic
Classification: Benign. Last evaluated: 2025-09-12. Review status: criteria provided, single submitter. Criteria: ACMG Guidelines, 2015. Collection method: clinical testing. Allele origin: germline. Observed: 1 variant allele.
Comment: BS1, BS2, BP4, BP7

New York Genome Center
Classification: Uncertain significance for Bardet-Biedl syndrome 1. Last evaluated: 2021-03-21. Review status: criteria provided, single submitter. Criteria: NYGC Assertion Criteria 2020. Collection method: clinical testing. Allele origin: germline. Observed: 1 heterozygote.

Women's Health and Genetics/Laboratory Corporation of America, LabCorp
Classification: Benign. Last evaluated: 2018-09-10. Review status: criteria provided, single submitter. Criteria: LabCorp Variant Classification Summary - May 2015. Collection method: clinical testing. Allele origin: germline.
Comment: Variant summary: BBS1 c.24T>C alters a non-conserved nucleotide resulting in a synonymous change. 5/5 computational tools predict no significant impact on normal splicing. However, these predictions have yet to be confirmed by functional studies. The variant allele was found at a frequency of 0.0039 in 276810 control chromosomes in the gnomAD database, including 5 homozygotes. The observed variant frequency is approximately 4-fold of the estimated maximal expected allele frequency for a pathogenic variant in BBS1 causing Bardet-Biedl Syndrome phenotype (0.00094), strongly suggesting that the variant is benign. The variant, c.24T>C, has been reported in the literature in individuals affected with Bardet-Biedl Syndrome (Gerth_2008, Deveault_2011, Hichri_2005) but in some cases not all BBS genes were tested. To our knowledge, no experimental evidence demonstrating an impact on protein function has been reported. Four clinical diagnostic laboratories have submitted clinical-significance assessments for this variant to ClinVar after 2014 without evidence for independent evaluation. All laboratories classified the variant as benign/likely benign. Based on the evidence outlined above, the variant was classified as benign.

Genetic Services Laboratory, University of Chicago
Classification: Likely benign. Last evaluated: 2017-09-25. Review status: criteria provided, single submitter. Criteria: ACMG Guidelines, 2015. Collection method: clinical testing. Allele origin: germline. Affected: no.

Illumina Laboratory Services, Illumina
Classification: Likely benign for Bardet-Biedl syndrome 1. Last evaluated: 2017-04-27. Review status: criteria provided, single submitter. Criteria: ICSL Variant Classification Criteria 13 December 2019. Collection method: clinical testing. Allele origin: germline.
Comment: This variant was observed as part of a predisposition screen in an ostensibly healthy population. A literature search was performed for the gene, cDNA change, and amino acid change (where applicable). Publications were found based on this search. The evidence from the literature, in combination with allele frequency data from public databases where available, was sufficient to determine this variant is unlikely to cause disease. Therefore, this variant is classified as likely benign.

Eurofins Ntd Llc (ga)
Classification: Benign. Last evaluated: 2015-06-03. Review status: criteria provided, single submitter. Criteria: EGL Classification Definitions 2015. Collection method: clinical testing. Allele origin: germline. Observed: 1 variant allele, 1 heterozygote.

Genome Diagnostics Laboratory, University Medical Center Utrecht
Classification: Benign for Bardet-Biedl syndrome 1. Last evaluated: 2015-02-25. Review status: criteria provided, single submitter. Criteria: ACGS Guidelines, 2013. Collection method: clinical testing. Allele origin: germline. Affected: yes. Study: VKGL Data-share Consensus.

Breakthrough Genomics
Classification: Likely benign. Review status: criteria provided, single submitter. Criteria: ACMG Guidelines, 2015. Collection method: not provided. Allele origin: germline. Inheritance: Autosomal recessive inheritance. Affected: yes.

PreventionGenetics, part of Exact Sciences
Classification: Benign for BBS1-related condition. Last evaluated: 2023-11-21. Review status: no assertion criteria provided. Collection method: clinical testing. Allele origin: germline. Not counted in ClinVar's aggregate classification.
Comment: This variant is classified as benign based on ACMG/AMP sequence variant interpretation guidelines (Richards et al. 2015 PMID: 25741868, with internal and published modifications).

Natera, Inc.
Classification: Benign for Bardet-Biedl syndrome type 1. Last evaluated: 2020-09-16. Review status: no assertion criteria provided. Collection method: clinical testing. Allele origin: germline. Not counted in ClinVar's aggregate classification.

Genome Diagnostics Laboratory, Amsterdam University Medical Center
Classification: Likely benign for Bardet-Biedl syndrome 1. Last evaluated: 2017-04-19. Review status: no assertion criteria provided. Criteria: ACGS Guidelines, 2013. Collection method: clinical testing. Allele origin: germline. Affected: yes. Study: VKGL Data-share Consensus. Not counted in ClinVar's aggregate classification.

Clinical Genetics, Academic Medical Center
Classification: Benign. Review status: no assertion criteria provided. Collection method: clinical testing. Allele origin: germline. Affected: yes. Study: VKGL Data-share Consensus. Not counted in ClinVar's aggregate classification.

Literature cited by the submitters: PubMed 17980398 (cited by 3 submitters); PubMed 20981092 (cited by Mayo Clinic Laboratories, Mayo Clinic); PubMed 22995991 (cited by Mayo Clinic Laboratories, Mayo Clinic); PubMed 15770229 (cited by Women's Health and Genetics/Laboratory Corporation of America, LabCorp); PubMed 21344540 (cited by Women's Health and Genetics/Laboratory Corporation of America, LabCorp).